The following is an entry in ClinVar:

NM_000516.7(GNAS):c.338T>A (p.Leu113Gln)

Gene: GNAS (GNAS complex locus; plus strand). Cytogenetic location: 20q13.32.
Variant type: single nucleotide variant.
Coding change: c.338T>A on transcript NM_000516.7 (MANE Select); coding-DNA position 338, T replaced by A.
Protein change: p.Leu113Gln; replaces leucine 113 with glutamine.
Molecular consequence: missense variant. On other transcripts: 3 prime UTR variant (2).
Genome position (GRCh38, 1-based): chr20:58,903,697, T>A. VCF-style: chr20-58903697-T-A. GRCh37 (hg19) VCF-style: chr20-57478752-T-A.
Other names: c.161T>A, p.Leu54Gln (NM_001309861.2, NM_001309840.2); c.242T>A, p.Leu81Gln (NM_001410912.1); c.2222T>A, p.Leu741Gln (NM_001410913.1); c.*244T>A (NM_016592.5); c.2267T>A, p.Leu756Gln (NM_080425.4); c.296T>A, p.Leu99Gln (NM_080426.4); c.341T>A, p.Leu114Gln (NM_001077488.5); c.293T>A, p.Leu98Gln (NM_001077489.4); and 1 more; short protein forms L113Q, L114Q, L54Q, L741Q, L756Q, L81Q, L98Q, L99Q.
Identifiers: ClinVar variation 3376899 (VCV003376899.1).
Genomic context (GRCh38, chr20:58,903,697, plus strand): 5'-GCTGTTCCCTGACCGCTTTGCTAAATCATTTTCAGACCATTGTGGCCGCCATGAGCAACC[T>A]GGTGCCCCCCGTGGAGCTGGCCAACCCCGAGAACCAGTTCAGAGTGGACTACATCCTGAG-3'
Protein context (NP_000507.1, residues 103-123): IETIVAAMSN[Leu113Gln]VPPVELANPE

ClinVar aggregate classification (germline): Pathogenic (1 of 4 stars; one submission).

Conditions:
Pseudohypoparathyroidism type I A (PHP1A). Also called: PHP IA; Pseudohypoparathyroidism type 1A; ALBRIGHT HEREDITARY OSTEODYSTROPHY WITH MULTIPLE HORMONE RESISTANCE; Pseudohypoparathyroidism Type IA; Pseudohypoparathyroidism Ia (PHP-Ia). Identifiers: Orphanet 79443, MedGen C3494506, MONDO:0007078, OMIM 103580.

Submission:

Victorian Clinical Genetics Services, Murdoch Childrens Research Institute
Classification: Pathogenic for Pseudohypoparathyroidism type I A. Last evaluated: 2022-02-02. Review status: criteria provided, single submitter. Criteria: ACMG Guidelines, 2015. Collection method: clinical testing. Allele origin: germline. Inheritance: Autosomal dominant inheritance. Affected: yes.
Comment: Based on the classification scheme VCGS_Germline_v1.3.4, this variant is classified as Pathogenic. Following criteria are met: 0103 - Loss of function and gain of function are known mechanisms of disease in this gene (PMID: 25851935). The former is associated with pseudohypoparathyroidism Ia (MIM#103580) and Ic (MIM#612462), pseudopseudohypoparathyroidism (MIM#612463), and progressive osseous heteroplasia (MIM#166350); the latter has been reported for McCune-Albright syndrome (MIM#174800) and cancer. Methylation defect in GNAS is also a mechanism of disease and is associated with pseudohypoparathyroidism Ib (MIM#603233) (PMID: 25851935). (I) 0107 - This gene is associated with autosomal dominant disease. (I) 0113 - This gene is known to be imprinted. The imprinting status is transcript and tissue-dependent (PMID: 25851935). (I) 0115 - Variants in this gene are known to have variable expressivity (PMID: 29072892). (I) 0200 - Variant is predicted to result in a missense amino acid change from leucine to glutamine. (I) 0219 - This variant is non-coding in alternative transcripts. However, it is coding in NM_000516.5, which is the most abundant and best characterised transcript, with biallelic expression in most tissues. It is also coding in other transcripts that encode the G-alpha subunit which contains pathogenic variants associated with PhP-Ia, Ic, PPHP and POH (UCSC, DECIPHER, PMID: 25851935). It is not protein coding in NM_016592.5 which is maternally expressed, and NM_001077490.3 which is paternally expressed, and NM_001309883.1 and NM_001309842.2 (NCBI, UCSC). (I) 0251 - This variant is heterozygous. (I) 0301 - Variant is absent from gnomAD (both v2 and v3). (SP) 0501 - Missense variant consistently predicted to be damaging by multiple in silico tools or highly conserved with a major amino acid change. (SP) 0600 - Variant is located in the annotated G-protein alpha subunit domain (DECIPHER). (I) 0705 - No comparable missense variants have previous evidence for pathogenicity. (I) 0807 - This variant has no previous evidence of pathogenicity. (I) 0905 - No published segregation evidence has been identified for this variant. (I) 1007 - No published functional evidence has been identified for this variant. (I) 1102 - Strong phenotype match for this individual. (SP) Legend: (SP) - Supporting pathogenic, (I) - Information, (SB) - Supporting benign

Literature cited by the submitters: PubMed 25851935; PubMed 29072892.